The following is an entry in ClinVar:

ClinVar aggregate classification (germline): Uncertain significance (1 of 4 stars; one submission).

Allele frequency attached by ClinVar (database versions not stated): gnomAD exomes below 0.00001.

Submission:

Labcorp Genetics (formerly Invitae), Labcorp
Classification: Uncertain significance. Last evaluated: 2022-03-11. Review status: criteria provided, single submitter. Criteria: Invitae Variant Classification Sherloc (09022015). Collection method: clinical testing. Allele origin: germline.
Comment: In summary, the available evidence is currently insufficient to determine the role of this variant in disease. Therefore, it has been classified as a Variant of Uncertain Significance. Algorithms developed to predict the effect of missense changes on protein structure and function (SIFT, PolyPhen-2, Align-GVGD) all suggest that this variant is likely to be tolerated. This variant has not been reported in the literature in individuals affected with TRMT5-related conditions. This variant is present in population databases (no rsID available, gnomAD 0.003%). This sequence change replaces threonine, which is neutral and polar, with alanine, which is neutral and non-polar, at codon 509 of the TRMT5 protein (p.Thr509Ala).

NM_020810.3(TRMT5):c.1525A>G (p.Thr509Ala)

Gene: TRMT5 (tRNA methyltransferase 5; minus strand). Cytogenetic location: 14q23.1.
Variant type: single nucleotide variant.
Coding change: c.1525A>G on transcript NM_020810.3 (MANE Select); coding-DNA position 1525, A replaced by G.
Protein change: p.Thr509Ala; replaces threonine 509 with alanine.
Molecular consequence: missense variant.
Genome position (GRCh38, 1-based): chr14:60,975,114, T>C on the plus strand (A>G on the coding strand, the complement: TRMT5 is on the minus strand). VCF-style: chr14-60975114-T-C. GRCh37 (hg19) VCF-style: chr14-61441832-T-C.
Other names: c.1609A>G, p.Thr537Ala (NM_001350253.1); c.1606A>G, p.Thr536Ala (NM_001350254.1); short protein forms T537A, T536A, T509A.
Identifiers: ClinVar variation 2109265 (VCV002109265.4), dbSNP rs1262546391, ClinGen allele CA389918461.